The following is an entry in ClinVar:

ClinVar aggregate classification (germline): Benign/Likely benign. Review status: criteria provided, multiple submitters, no conflicts (2 of 4 stars). 5 submissions from 5 submitters: Benign (1); Likely benign (4). Last evaluated 2026-01-09.

Conditions:
Spinocerebellar ataxia type 35. Identifiers: Orphanet 276193, MedGen C3888031, MONDO:0013485, OMIM 613908.

Allele frequency attached by ClinVar (database versions not stated): 1000 Genomes Project 0.00020; 1000 Genomes Project 30x 0.00031; ExAC 0.00038; gnomAD 0.00040 and 0.00056; ESP Exome Variant Server 0.00046; TOPMed 0.00072.
gnomAD v4.1: 813 of 1,614,172 alleles (0.05%); highest among the groups gnomAD compares: Non-Finnish European, 0.063%; no homozygotes.

Submissions (5):

Labcorp Genetics (formerly Invitae), Labcorp
Classification: Likely benign. Last evaluated: 2026-01-09. Review status: criteria provided, single submitter. Criteria: Invitae Variant Classification Sherloc (09022015). Collection method: clinical testing. Allele origin: germline.

Blueprint Genetics
Classification: Likely benign. Last evaluated: 2024-11-26. Review status: criteria provided, single submitter. Criteria: ACMG Guidelines, 2015. Collection method: clinical testing. Allele origin: germline.

CeGaT Center for Human Genetics Tuebingen
Classification: Likely benign. Last evaluated: 2021-09-01. Review status: criteria provided, single submitter. Criteria: CeGaT Center For Human Genetics Tuebingen Variant Classification Criteria Version 2. Collection method: clinical testing. Allele origin: germline. Affected: yes. Observed: 1 variant allele.

Illumina Laboratory Services, Illumina
Classification: Likely benign for Spinocerebellar ataxia type 35. Last evaluated: 2018-01-13. Review status: criteria provided, single submitter. Criteria: ICSL Variant Classification Criteria 13 December 2019. Collection method: clinical testing. Allele origin: germline.
Comment: This variant was observed in the ICSL laboratory as part of a predisposition screen in an ostensibly healthy population. It had not been previously curated by ICSL or reported in the Human Gene Mutation Database (HGMD: prior to June 1st, 2018), and was therefore a candidate for classification through an automated scoring system. Utilizing variant allele frequency, disease prevalence and penetrance estimates, and inheritance mode, an automated score was calculated to assess if this variant is too frequent to cause the disease. Based on the score and internal cut-off values, a variant classified as likely benign is not then subjected to further curation. The score for this variant resulted in a classification of likely benign for this disease.

Athena Diagnostics
Classification: Benign. Last evaluated: 2017-04-06. Review status: criteria provided, single submitter. Criteria: Athena Diagnostics Criteria. Collection method: clinical testing. Allele origin: germline.

NM_198994.3(TGM6):c.1011G>A (p.Glu337=)

Gene: TGM6 (transglutaminase 6; plus strand). Cytogenetic location: 20p13.
Variant type: single nucleotide variant.
Coding change: c.1011G>A on transcript NM_198994.3 (MANE Select); coding-DNA position 1011, G replaced by A.
Protein change: p.Glu337=; no amino-acid change (glutamic acid 337 retained).
Molecular consequence: synonymous variant.
Genome position (GRCh38, 1-based): chr20:2,403,418, G>A. VCF-style: chr20-2403418-G-A. GRCh37 (hg19) VCF-style: chr20-2384064-G-A.
Other names: c.1011G>A, p.Glu337= (NM_001254734.2).
Identifiers: ClinVar variation 448663 (VCV000448663.48), dbSNP rs142832802, ClinGen allele CA9731941.